The following is an entry in ClinVar:

ClinVar aggregate classification (germline): Pathogenic (1 of 4 stars; one submission).

Submission:

Labcorp Genetics (formerly Invitae), Labcorp
Classification: Pathogenic. Last evaluated: 2023-12-15. Review status: criteria provided, single submitter. Criteria: Invitae Variant Classification Sherloc (09022015). Collection method: clinical testing. Allele origin: unknown.
Comment: This variant is a gross deletion of the genomic region encompassing exon(s) 16-21 of the OCA2 gene. This deletion is out-of-frame, and is expected to create a premature termination codon and result in an absent or disrupted protein product. Loss-of-function variants in OCA2 are known to be pathogenic (PMID: 19865097, 21541274). This variant has not been reported in the literature in individuals affected with OCA2-related conditions. For these reasons, this variant has been classified as Pathogenic.

Literature cited by the submitters: PubMed 19865097; PubMed 21541274.

NC_000015.9:g.(?_28116280)_(28202901_?)del

Gene: OCA2 (OCA2 melanosomal transmembrane protein; minus strand). Cytogenetic location: 15q13.1.
Variant type: Deletion.
Identifiers: ClinVar variation 3243840 (VCV003243840.1).